The following is an entry in ClinVar:

ClinVar aggregate classification (germline): Uncertain significance (1 of 4 stars; one submission).

gnomAD v4.1: 15 of 1,611,994 alleles (0.00093%); highest among the groups gnomAD compares: East Asian, 0.0045%; no homozygotes.

Submission:

Labcorp Genetics (formerly Invitae), Labcorp
Classification: Uncertain significance. Last evaluated: 2021-12-16. Review status: criteria provided, single submitter. Criteria: Invitae Variant Classification Sherloc (09022015). Collection method: clinical testing. Allele origin: germline.
Comment: In summary, the available evidence is currently insufficient to determine the role of this variant in disease. Therefore, it has been classified as a Variant of Uncertain Significance. Algorithms developed to predict the effect of missense changes on protein structure and function (SIFT, PolyPhen-2, Align-GVGD) all suggest that this variant is likely to be tolerated. This variant has not been reported in the literature in individuals affected with C3-related conditions. This variant is present in population databases (rs201714568, gnomAD 0.003%). This sequence change replaces arginine, which is basic and polar, with histidine, which is basic and polar, at codon 425 of the C3 protein (p.Arg425His).

NM_000064.4(C3):c.1274G>A (p.Arg425His)

Gene: C3 (complement C3; minus strand). Cytogenetic location: 19p13.3.
Variant type: single nucleotide variant.
Coding change: c.1274G>A on transcript NM_000064.4 (MANE Select); coding-DNA position 1274, G replaced by A.
Protein change: p.Arg425His; replaces arginine 425 with histidine.
Molecular consequence: missense variant.
Genome position (GRCh38, 1-based): chr19:6,711,192, C>T on the plus strand (G>A on the coding strand, the complement: C3 is on the minus strand). VCF-style: chr19-6711192-C-T. GRCh37 (hg19) VCF-style: chr19-6711203-C-T.
Other names: short protein forms R425H.
Identifiers: ClinVar variation 1443552 (VCV001443552.6), dbSNP rs201714568, ClinGen allele CA9129496.
Genomic context (GRCh38, chr19:6,711,192, plus strand): 5'-GGCAGAGCCTGCATGGTCCTGGTAGCCTGCTCTGCCTCCGAGAGCTCCTGCTTCTTCGTG[C>T]GCACCTGGGTGGGGAAAGAGGGATGCCTGCTGGTCGCCGCCCGAGGATACCCACACCCGA-3'
Protein context (NP_000055.2, residues 415-435): PSQKPLSITV[Arg425His]TKKQELSEAE